The following is an entry in ClinVar:

ClinVar aggregate classification (germline): Uncertain significance (1 of 4 stars; one submission).

Conditions:
Neurodevelopmental disorder. Identifiers: MedGen C1535926, MeSH D065886, MONDO:0700092.

gnomAD v4.1: 4 of 1,174,114 alleles (0.00034%); highest among the groups gnomAD compares: Middle Eastern, 0.024%; no homozygotes.

Submission:

Developmental Brain Disorders Lab, Seattle Children's Hospital
Classification: Uncertain significance for Neurodevelopmental disorder. Last evaluated: 2025-05-01. Review status: criteria provided, single submitter. Criteria: ACMG Guidelines, 2015. Collection method: research. Allele origin: maternal. Affected: yes.
Comment: This is a missense variant that is present at a very low frequency in gnomAD v4.1.0 (allele frequency 0.000003407) including 2 hemizygous individuals. It meets ACMG variant classification criteria (PM2, BS2) (PMID:25741868).

NM_001282874.2(SMARCA1):c.1295T>C (p.Met432Thr)

Gene: SMARCA1 (SNF2 related chromatin remodeling ATPase 1; minus strand). Cytogenetic location: Xq25.
Variant type: single nucleotide variant.
Coding change: c.1295T>C on transcript NM_001282874.2 (MANE Select); coding-DNA position 1295, T replaced by C.
Protein change: p.Met432Thr; replaces methionine 432 with threonine.
Molecular consequence: missense variant.
Genome position (GRCh38, 1-based): chrX:129,498,054, A>G on the plus strand (T>C on the coding strand, the complement: SMARCA1 is on the minus strand). VCF-style: chrX-129498054-A-G. GRCh37 (hg19) VCF-style: chrX-128632031-A-G.
Other names: c.1295T>C, p.Met432Thr (NM_001282875.2, NM_001378261.1, NM_001378262.1 and 3 more transcripts); short protein forms M432T.
Identifiers: ClinVar variation 3901125 (VCV003901125.1).